The following is an entry in ClinVar:

NM_015570.4(AUTS2):c.1126C>T (p.Pro376Ser)

Gene: AUTS2 (activator of transcription and developmental regulator AUTS2; plus strand). Cytogenetic location: 7q11.22.
Variant type: single nucleotide variant.
Coding change: c.1126C>T on transcript NM_015570.4 (MANE Select); coding-DNA position 1126, C replaced by T.
Protein change: p.Pro376Ser; replaces proline 376 with serine.
Molecular consequence: missense variant.
Genome position (GRCh38, 1-based): chr7:70,763,253, C>T. VCF-style: chr7-70763253-C-T. GRCh37 (hg19) VCF-style: chr7-70228239-C-T.
Other names: c.1126C>T, p.Pro376Ser (NM_001127231.3); short protein forms P376S.
Identifiers: ClinVar variation 2760104 (VCV002760104.3), dbSNP rs778618690, ClinGen allele CA4280560.

ClinVar aggregate classification (germline): Uncertain significance (1 of 4 stars; one submission).

Allele frequency attached by ClinVar (database versions not stated): gnomAD exomes below 0.00001; ExAC 0.00001.
gnomAD v4.1: 1 of 1,613,986 alleles (0.000062%); highest among the groups gnomAD compares: Admixed American, 0.0017%; no homozygotes.

Submission:

Labcorp Genetics (formerly Invitae), Labcorp
Classification: Uncertain significance. Last evaluated: 2023-12-22. Review status: criteria provided, single submitter. Criteria: Invitae Variant Classification Sherloc (09022015). Collection method: clinical testing. Allele origin: germline.
Comment: This sequence change replaces proline, which is neutral and non-polar, with serine, which is neutral and polar, at codon 376 of the AUTS2 protein (p.Pro376Ser). This variant is present in population databases (rs778618690, gnomAD 0.003%). This variant has not been reported in the literature in individuals affected with AUTS2-related conditions. Advanced modeling of protein sequence and biophysical properties (such as structural, functional, and spatial information, amino acid conservation, physicochemical variation, residue mobility, and thermodynamic stability) performed at Invitae indicates that this missense variant is not expected to disrupt AUTS2 protein function with a negative predictive value of 80%. In summary, the available evidence is currently insufficient to determine the role of this variant in disease. Therefore, it has been classified as a Variant of Uncertain Significance.